The following is an entry in ClinVar:

NM_016417.3(GLRX5):c.395G>A (p.Gly132Glu)

Gene: GLRX5 (glutaredoxin 5; plus strand). Cytogenetic location: 14q32.13.
Variant type: single nucleotide variant.
Coding change: c.395G>A on transcript NM_016417.3 (MANE Select); coding-DNA position 395, G replaced by A.
Protein change: p.Gly132Glu; replaces glycine 132 with glutamic acid.
Molecular consequence: missense variant.
Genome position (GRCh38, 1-based): chr14:95,544,046, G>A. VCF-style: chr14-95544046-G-A. GRCh37 (hg19) VCF-style: chr14-96010383-G-A.
Other names: short protein forms G132E.
Identifiers: ClinVar variation 1383534 (VCV001383534.6), dbSNP rs2139651992, ClinGen allele CA390896957.
Genomic context (GRCh38, chr14:95,544,046, plus strand): 5'-TGTACCTCAATGGCGAGTTTGTAGGGGGCTGTGACATTCTTCTGCAGATGCACCAGAATG[G>A]GGACTTGGTGGAAGAACTGAAAAAGCTGGGGATCCACTCCGCCCTTTTAGATGAAAAGAA-3'
Protein context (NP_057501.2, residues 122-142): CDILLQMHQN[Gly132Glu]DLVEELKKLG

ClinVar aggregate classification (germline): Uncertain significance (1 of 4 stars; one submission).

Submission:

Labcorp Genetics (formerly Invitae), Labcorp
Classification: Uncertain significance. Last evaluated: 2022-09-01. Review status: criteria provided, single submitter. Criteria: Invitae Variant Classification Sherloc (09022015). Collection method: clinical testing. Allele origin: germline.
Comment: In summary, the available evidence is currently insufficient to determine the role of this variant in disease. Therefore, it has been classified as a Variant of Uncertain Significance. Algorithms developed to predict the effect of missense changes on protein structure and function (SIFT, PolyPhen-2, Align-GVGD) all suggest that this variant is likely to be disruptive. ClinVar contains an entry for this variant (Variation ID: 1383534). This variant has not been reported in the literature in individuals affected with GLRX5-related conditions. This variant is not present in population databases (gnomAD no frequency). This sequence change replaces glycine, which is neutral and non-polar, with glutamic acid, which is acidic and polar, at codon 132 of the GLRX5 protein (p.Gly132Glu).